The following is an entry in ClinVar:

ClinVar aggregate classification (germline): Benign. Review status: criteria provided, multiple submitters, no conflicts (2 of 4 stars). 7 submissions from 6 submitters: Benign (6). 1 of the submissions does not count toward it. Last evaluated 2026-01-26.

Conditions:
Emery-Dreifuss muscular dystrophy 4, autosomal dominant (EDMD4). Also called: EMERY-DREIFUSS MUSCULAR DYSTROPHY 4 WITH VARIABLE FEATURES. Identifiers: Orphanet 261, MedGen C2751807, MONDO:0013071, OMIM 612998.
Autosomal recessive ataxia, Beauce type. Also called: SYNE1-Related Autosomal Recessive Cerebellar Ataxia; ATAXIA, RECESSIVE, OF BEAUCE; Spinocerebellar ataxia, autosomal recessive 8; SYNE1 Deficiency. Identifiers: Orphanet 88644, MedGen C1853116, MONDO:0012549, OMIM 610743.

Allele frequency attached by ClinVar (database versions not stated): gnomAD exomes 0.00729 and 0.00313; gnomAD 0.02693 and 0.02523; 1000 Genomes Project 0.02696; TOPMed 0.02739; 1000 Genomes Project 30x 0.02967; ExAC 0.00867; ESP Exome Variant Server 0.02791.
gnomAD v4.1: 8,666 of 1,614,214 alleles (0.54%); highest among the groups gnomAD compares: African/African-American, 8.7%; 289 homozygotes.

Submissions (7):

Labcorp Genetics (formerly Invitae), Labcorp
Classification: Benign for Emery-Dreifuss muscular dystrophy 4, autosomal dominant; Autosomal recessive ataxia, Beauce type. Last evaluated: 2026-01-26. Review status: criteria provided, single submitter. Criteria: Invitae Variant Classification Sherloc (09022015). Collection method: clinical testing. Allele origin: germline.

Mayo Clinic Laboratories, Mayo Clinic
Classification: Benign. Last evaluated: 2023-06-09. Review status: criteria provided, single submitter. Criteria: ACMG Guidelines, 2015. Collection method: clinical testing. Allele origin: germline. Observed: 23 variant alleles.
Comment: BA1

Athena Diagnostics
Classification: Benign. Last evaluated: 2019-02-25. Review status: criteria provided, single submitter. Criteria: Athena Diagnostics Criteria. Collection method: clinical testing. Allele origin: germline.

Illumina Laboratory Services, Illumina
Classification: Benign for Autosomal recessive ataxia, Beauce type. Last evaluated: 2018-01-13. Review status: criteria provided, single submitter. Criteria: ICSL Variant Classification Criteria 13 December 2019. Collection method: clinical testing. Allele origin: germline.
Comment: This variant was observed in the ICSL laboratory as part of a predisposition screen in an ostensibly healthy population. It had not been previously curated by ICSL or reported in the Human Gene Mutation Database (HGMD: prior to June 1st, 2018), and was therefore a candidate for classification through an automated scoring system. Utilizing variant allele frequency, disease prevalence and penetrance estimates, and inheritance mode, an automated score was calculated to assess if this variant is too frequent to cause the disease. Based on the score and internal cut-off values, a variant classified as benign is not then subjected to further curation. The score for this variant resulted in a classification of benign for this disease.

Illumina Laboratory Services, Illumina
Classification: Benign for Emery-Dreifuss muscular dystrophy 4, autosomal dominant. Last evaluated: 2018-01-13. Review status: criteria provided, single submitter. Criteria: ICSL Variant Classification Criteria 13 December 2019. Collection method: clinical testing. Allele origin: germline.
Comment: the same text as in the submission from Illumina Laboratory Services, Illumina above.

GeneDx
Classification: Benign. Last evaluated: 2016-05-18. Review status: criteria provided, single submitter. Criteria: GeneDx Variant Classification (06012015). Collection method: clinical testing. Allele origin: germline. Affected: yes.
Comment: This variant is considered likely benign or benign based on one or more of the following criteria: it is a conservative change, it occurs at a poorly conserved position in the protein, it is predicted to be benign by multiple in silico algorithms, and/or has population frequency not consistent with disease.

Genetic Services Laboratory, University of Chicago
Classification: Likely benign for AllHighlyPenetrant. Review status: no assertion criteria provided. Collection method: clinical testing. Allele origin: germline. Inheritance: Autosomal dominant inheritance. Not counted in ClinVar's aggregate classification.
Comment: Likely benign based on allele frequency in 1000 Genomes Project or ESP global frequency and its presence in a patient with a rare or unrelated disease phenotype. NOT Sanger confirmed.

NM_182961.4(SYNE1):c.12138G>A (p.Gln4046=)

Gene: SYNE1 (spectrin repeat containing nuclear envelope protein 1; minus strand). Cytogenetic location: 6q25.2.
Variant type: single nucleotide variant.
Coding change: c.12138G>A on transcript NM_182961.4 (MANE Select); coding-DNA position 12138, G replaced by A.
Protein change: p.Gln4046=; no amino-acid change (glutamine 4046 retained).
Molecular consequence: synonymous variant.
Genome position (GRCh38, 1-based): chr6:152,344,168, C>T on the plus strand (G>A on the coding strand, the complement: SYNE1 is on the minus strand). VCF-style: chr6-152344168-C-T. GRCh37 (hg19) VCF-style: chr6-152665303-C-T.
Other names: p.Gln3975=; c.11925G>A, p.Gln3975= (NM_033071.5).
Identifiers: ClinVar variation 130396 (VCV000130396.21), dbSNP rs60344647, ClinGen allele CA155337.
Genomic context (GRCh38, chr6:152,344,168, plus strand): 5'-AGGTGGTTGAGGACTTGGCTCTAAATCCGGCTGGACTGCAGAAAGCCAGGCCTGGCACTG[C>T]TGCAGGGTGTCTTGTCGGCTGACGTGCTTCTGAAGTTCGTGTTCCAAACTCTGGTACATC-3'
Protein context (NP_892006.3, residues 4036-4056): QKHVSRQDTL[Gln4046=]QCQAWLSAVQ